The following is an entry in ClinVar:

NM_001243279.3(ACSF3):c.65C>T (p.Ala22Val)

Gene: ACSF3 (acyl-CoA synthetase family member 3; plus strand). Cytogenetic location: 16q24.3.
Variant type: single nucleotide variant.
Coding change: c.65C>T on transcript NM_001243279.3 (MANE Select); coding-DNA position 65, C replaced by T.
Protein change: p.Ala22Val; replaces alanine 22 with valine.
Molecular consequence: missense variant. On other transcripts: non-coding transcript variant (3), intron variant (1).
Genome position (GRCh38, 1-based): chr16:89,100,746, C>T. VCF-style: chr16-89100746-C-T. GRCh37 (hg19) VCF-style: chr16-89167154-C-T.
Other names: c.65C>T, p.Ala22Val (NM_174917.5, NM_001127214.4); c.-129-1858C>T (NM_001284316.2); short protein forms A22V.
Identifiers: ClinVar variation 2575577 (VCV002575577.2), dbSNP rs572357895, ClinGen allele CA8237535.

ClinVar aggregate classification (germline): Uncertain significance (1 of 4 stars; one submission).

Allele frequency attached by ClinVar (database versions not stated): gnomAD exomes 0.00001; ExAC 0.00002; TOPMed 0.00002; gnomAD 0.00003; 1000 Genomes Project 30x 0.00031; 1000 Genomes Project 0.00040.
gnomAD v4.1: 18 of 1,606,076 alleles (0.0011%); highest among the groups gnomAD compares: African/African-American, 0.011%; no homozygotes.

Submission:

GeneDx
Classification: Uncertain significance. Last evaluated: 2025-11-05. Review status: criteria provided, single submitter. Criteria: GeneDx Variant Classification Process June 2021. Collection method: clinical testing. Allele origin: germline. Affected: yes.
Comment: In silico analysis supports that this missense variant has a deleterious effect on protein structure/function; Has not been previously published as pathogenic or benign to our knowledge